The following is an entry in ClinVar:

ClinVar aggregate classification (germline): Uncertain significance (1 of 4 stars; one submission).

Conditions:
Inborn genetic diseases. Identifiers: MedGen C0950123, MeSH D030342.

Submission:

Ambry Genetics
Classification: Uncertain significance for Inborn genetic diseases. Last evaluated: 2021-08-15. Review status: criteria provided, single submitter. Criteria: Ambry Variant Classification Scheme 2023. Collection method: clinical testing. Allele origin: germline.
Comment: The p.L202R variant (also known as c.605T>G), located in coding exon 1 of the NEFH gene, results from a T to G substitution at nucleotide position 605. The leucine at codon 202 is replaced by arginine, an amino acid with dissimilar properties. This amino acid position is conserved. In addition, this alteration is predicted to be deleterious by in silico analysis. Since supporting evidence is limited at this time, the clinical significance of this alteration remains unclear.

NM_021076.4(NEFH):c.605T>G (p.Leu202Arg)

Gene: NEFH (neurofilament heavy chain; plus strand). Cytogenetic location: 22q12.2.
Variant type: single nucleotide variant.
Coding change: c.605T>G on transcript NM_021076.4 (MANE Select); coding-DNA position 605, T replaced by G.
Protein change: p.Leu202Arg; replaces leucine 202 with arginine.
Molecular consequence: missense variant.
Genome position (GRCh38, 1-based): chr22:29,480,867, T>G. VCF-style: chr22-29480867-T-G. GRCh37 (hg19) VCF-style: chr22-29876856-T-G.
Other names: short protein forms L202R.
Identifiers: ClinVar variation 1751331 (VCV001751331.2), dbSNP rs2517969172, ClinGen allele CA411123359.